The following is an entry in ClinVar:

ClinVar aggregate classification (germline): Uncertain significance (1 of 4 stars; one submission).

Conditions:
Ataxia-telangiectasia syndrome (AT). Also called: ATAXIA-TELANGIECTASIA, COMPLEMENTATION GROUP A; ATAXIA-TELANGIECTASIA, FRESNO VARIANT; Ataxia-telangiectasia; Ataxia-telangiectasia, complementation group D; AT, COMPLEMENTATION GROUP C; Ataxia-telangiectasia, complementation group E. Identifiers: Orphanet 100, MedGen C0004135, MONDO:0008840, OMIM 208900.

Submission:

Labcorp Genetics (formerly Invitae), Labcorp
Classification: Uncertain significance for Ataxia-telangiectasia syndrome. Last evaluated: 2025-05-05. Review status: criteria provided, single submitter. Criteria: Invitae Variant Classification Sherloc (09022015). Collection method: clinical testing. Allele origin: germline.
Comment: This variant, c.8921_8922insTTC, results in the insertion of 1 amino acid(s) of the ATM protein (p.Pro2974_Glu2975insSer), but otherwise preserves the integrity of the reading frame. This variant is not present in population databases (gnomAD no frequency). This variant has not been reported in the literature in individuals affected with ATM-related conditions. ClinVar contains an entry for this variant (Variation ID: 839581). Experimental studies and prediction algorithms are not available or were not evaluated, and the functional significance of this variant is currently unknown. In summary, the available evidence is currently insufficient to determine the role of this variant in disease. Therefore, it has been classified as a Variant of Uncertain Significance.

NM_000051.4(ATM):c.8921_8922insTTC (p.Pro2974_Glu2975insSer)

Genes: ATM (ATM serine/threonine kinase; plus strand), C11orf65 (chromosome 11 open reading frame 65; minus strand). Cytogenetic location: 11q22.3.
Variant type: Insertion.
Coding change: c.8921_8922insTTC on transcript NM_000051.4 (MANE Select); coding-DNA positions 8921 to 8922, TTC inserted.
Protein change: p.Pro2974_Glu2975insSer.
Molecular consequence: inframe insertion. On other transcripts: intron variant (2).
Genome position: GRCh38 VCF-style: chr11-108365151-C-CCTT. GRCh37 (hg19) VCF-style: chr11-108235878-C-CCTT.
Other names: c.8921_8922insTTC, p.Pro2974_Glu2975insSer (NM_001351834.2); c.640+20768_640+20769insGAA (NM_001330368.2); c.694+20768_694+20769insGAA (NM_001351110.2).
Identifiers: ClinVar variation 839581 (VCV000839581.11), dbSNP rs2091207598, ClinGen allele CA916080457.